The following is an entry in ClinVar:

NM_145200.5(CABP4):c.256del (p.Ala86fs)

Gene: CABP4 (calcium binding protein 4; plus strand). Cytogenetic location: 11q13.2.
Variant type: Deletion.
Coding change: c.256del on transcript NM_145200.5 (MANE Select); coding-DNA position 256, one base deleted (G; older notation c.256delG).
Protein change: p.Ala86fs; shifts the reading frame from alanine 86.
Molecular consequence: frameshift variant. On other transcripts: 5 prime UTR variant (2), non-coding transcript variant (1), intron variant (1).
Genome position (GRCh38, 1-based): chr11:67,455,679, G deleted. VCF-style (leftmost placement, unchanged base first): chr11-67455678-TG-T. GRCh37 (hg19) VCF-style: chr11-67223149-TG-T.
Other names: c.-128del (NM_001300895.3); c.-142del (NM_001379183.1); c.-112-30del (NM_001300896.3); short protein forms A86fs.
Identifiers: ClinVar variation 3769566 (VCV003769566.2).

ClinVar aggregate classification (germline): Likely pathogenic. Review status: criteria provided, multiple submitters, no conflicts (2 of 4 stars). 2 submissions from 2 submitters: Likely pathogenic (2). Last evaluated 2024-08-20.

Conditions:
CABP4-related disorder. Also called: CABP4-related condition.
Cone-rod synaptic disorder, congenital nonprogressive. Also called: NIGHT BLINDNESS, CONGENITAL STATIONARY, INCOMPLETE, AUTOSOMAL RECESSIVE. Identifiers: Orphanet 215, MedGen C4041558, MONDO:0012490, OMIM 610427.

Submissions (2):

Clinical Genetics Laboratory, Skane University Hospital Lund
Classification: Likely pathogenic for Cone-rod synaptic disorder, congenital nonprogressive. Last evaluated: 2024-08-20. Review status: criteria provided, single submitter. Criteria: ACMG Guidelines, 2015. Collection method: clinical testing. Allele origin: biparental. Inheritance: Autosomal recessive inheritance. Affected: yes.
Comment: PVS1, PM2

Blueprint Genetics
Classification: Likely pathogenic for CABP4-related disorders. Last evaluated: 2023-01-04. Review status: criteria provided, single submitter. Criteria: ACMG Guidelines, 2015. Collection method: clinical testing. Allele origin: germline. Affected: yes. Observed: 1 variant allele.